The following is an entry in ClinVar:

NM_000168.6(GLI3):c.4534G>C (p.Asp1512His)

Gene: GLI3 (GLI family zinc finger 3; minus strand). Cytogenetic location: 7p14.1.
Variant type: single nucleotide variant.
Coding change: c.4534G>C on transcript NM_000168.6 (MANE Select); coding-DNA position 4534, G replaced by C.
Protein change: p.Asp1512His; replaces aspartic acid 1512 with histidine.
Molecular consequence: missense variant.
Genome position (GRCh38, 1-based): chr7:41,964,539, C>G on the plus strand (G>C on the coding strand, the complement: GLI3 is on the minus strand). VCF-style: chr7-41964539-C-G. GRCh37 (hg19) VCF-style: chr7-42004137-C-G.
Other names: short protein forms D1512H.
Identifiers: ClinVar variation 3753587 (VCV003753587.2).

ClinVar aggregate classification (germline): Uncertain significance (1 of 4 stars; one submission).

Conditions:
Pallister-Hall syndrome (PHS). Also called: HYPOTHALAMIC HAMARTOBLASTOMA, HYPOPITUITARISM, IMPERFORATE ANUS, AND POSTAXIAL POLYDACTYLY; GLI3-Related Pallister-Hall Syndrome. Identifiers: Orphanet 672, MedGen C0265220, MONDO:0007804, OMIM 146510.
Greig cephalopolysyndactyly syndrome (GCPS). Also called: GLI3-Related Greig Cephalopolysyndactyly Syndrome; POLYSYNDACTYLY WITH PECULIAR SKULL SHAPE; Greig syndrome. Identifiers: Orphanet 380, MedGen C0265306, MONDO:0008287, OMIM 175700.

Submission:

Labcorp Genetics (formerly Invitae), Labcorp
Classification: Uncertain significance for Pallister-Hall syndrome; Greig cephalopolysyndactyly syndrome. Last evaluated: 2024-02-23. Review status: criteria provided, single submitter. Criteria: Invitae Variant Classification Sherloc (09022015). Collection method: clinical testing. Allele origin: germline.
Comment: This sequence change replaces aspartic acid, which is acidic and polar, with histidine, which is basic and polar, at codon 1512 of the GLI3 protein (p.Asp1512His). This variant is not present in population databases (gnomAD no frequency). This variant has not been reported in the literature in individuals affected with GLI3-related conditions. Advanced modeling of protein sequence and biophysical properties (such as structural, functional, and spatial information, amino acid conservation, physicochemical variation, residue mobility, and thermodynamic stability) performed at Invitae indicates that this missense variant is expected to disrupt GLI3 protein function with a positive predictive value of 80%. In summary, the available evidence is currently insufficient to determine the role of this variant in disease. Therefore, it has been classified as a Variant of Uncertain Significance.